The following is an entry in ClinVar:

ClinVar aggregate classification (germline): Likely benign (1 of 4 stars; one submission).

gnomAD v4.1: 10 of 1,614,012 alleles (0.00062%); highest among the groups gnomAD compares: East Asian, 0.0022%; no homozygotes.

Submission:

Mayo Clinic Laboratories, Mayo Clinic
Classification: Likely benign. Last evaluated: 2024-10-15. Review status: criteria provided, single submitter. Criteria: ACMG Guidelines, 2015. Collection method: clinical testing. Allele origin: germline. Observed: 1 variant allele.
Comment: BP4, BP5, BP7

NM_001020658.2(PUM1):c.234C>T (p.Asp78=)

Gene: PUM1 (pumilio RNA binding family member 1; minus strand). Cytogenetic location: 1p35.2.
Variant type: single nucleotide variant.
Coding change: c.234C>T on transcript NM_001020658.2 (MANE Select); coding-DNA position 234, C replaced by T.
Protein change: p.Asp78=; no amino-acid change (aspartic acid 78 retained).
Molecular consequence: synonymous variant.
Genome position (GRCh38, 1-based): chr1:31,059,333, G>A on the plus strand (C>T on the coding strand, the complement: PUM1 is on the minus strand). VCF-style: chr1-31059333-G-A. GRCh37 (hg19) VCF-style: chr1-31532180-G-A.
Other names: p.Asp78=; c.234C>T, p.Asp78= (NM_014676.3).
Identifiers: ClinVar variation 4684819 (VCV004684819.1).